The following is an entry in ClinVar:

ClinVar aggregate classification (germline): Uncertain significance (1 of 4 stars; one submission).

Submission:

Dasa
Classification: Uncertain significance. Last evaluated: 2025-02-24. Review status: criteria provided, single submitter. Criteria: DASA Assertion Criteria. Collection method: clinical testing. Allele origin: germline.
Comment: NM_000489.6(ATRX):c.3413G>A (p.Arg1138Lys) is a missense variant that results in the substitution of arginine with lysine. This variant is absent from population databases. Computational prediction algorithms are consistent with a benign effect. The currently available literature and clinical evidence are not sufficient to establish a definitive association between this variant and the reported condition. Therefore, this variant is classified as a variant of uncertain significance.

NM_000489.6(ATRX):c.3413G>A (p.Arg1138Lys)

Gene: ATRX (ATRX chromatin remodeler; minus strand). Cytogenetic location: Xq21.1.
Variant type: single nucleotide variant.
Coding change: c.3413G>A on transcript NM_000489.6 (MANE Select); coding-DNA position 3413, G replaced by A.
Protein change: p.Arg1138Lys; replaces arginine 1138 with lysine.
Molecular consequence: missense variant.
Genome position (GRCh38, 1-based): chrX:77,681,843, C>T on the plus strand (G>A on the coding strand, the complement: ATRX is on the minus strand). VCF-style: chrX-77681843-C-T. GRCh37 (hg19) VCF-style: chrX-76937335-C-T.
Other names: c.3299G>A, p.Arg1100Lys (NM_138270.5); short protein forms R1100K, R1138K.
Identifiers: ClinVar variation 5020993 (VCV005020993.1).
Genomic context (GRCh38, chrX:77,681,843, plus strand): 5'-GCATCAGATGATGATGAGCCACTTTGTATTTCCTTAGTATTTCTCTTTGAACTTAAATTT[C>T]TTCTTTCCCTCAATTCTATTCTTTTCAGTCTCTTATCAGAAGAGTTACAACCATCTTCTT-3'
Protein context (NP_000480.3, residues 1128-1148): RLKRIELRER[Arg1138Lys]NLSSKRNTKE